The following is an entry in ClinVar:

NM_001113491.2(SEPTIN9):c.1711G>T (p.Ala571Ser)

Gene: SEPTIN9 (septin 9; plus strand). Cytogenetic location: 17q25.3.
Variant type: single nucleotide variant.
Coding change: c.1711G>T on transcript NM_001113491.2 (MANE Select); coding-DNA position 1711, G replaced by T.
Protein change: p.Ala571Ser; replaces alanine 571 with serine.
Molecular consequence: missense variant.
Genome position (GRCh38, 1-based): chr17:77,498,608, G>T. VCF-style: chr17-77498608-G-T. GRCh37 (hg19) VCF-style: chr17-75494690-G-T.
Other names: c.1219G>T, p.Ala407Ser (NM_001113492.2, NM_001113494.1); c.1690G>T, p.Ala564Ser (NM_001113493.2); c.958G>T, p.Ala320Ser (NM_001113495.2, NM_001113496.2, NM_001293697.2 and 1 more transcripts); c.1654G>T, p.Ala552Ser (NM_001293695.2); c.1039G>T, p.Ala347Ser (NM_001293696.2); c.1657G>T, p.Ala553Ser (NM_006640.5); short protein forms A320S, A347S, A407S, A552S, A553S, A564S, A571S.
Identifiers: ClinVar variation 3610728 (VCV003610728.2).

ClinVar aggregate classification (germline): Uncertain significance (1 of 4 stars; one submission).

gnomAD v4.1: 19 of 1,610,226 alleles (0.0012%); highest among the groups gnomAD compares: Non-Finnish European, 0.0016%; no homozygotes.

Submission:

Labcorp Genetics (formerly Invitae), Labcorp
Classification: Uncertain significance. Last evaluated: 2024-09-09. Review status: criteria provided, single submitter. Criteria: Invitae Variant Classification Sherloc (09022015). Collection method: clinical testing. Allele origin: germline.
Comment: This sequence change replaces alanine, which is neutral and non-polar, with serine, which is neutral and polar, at codon 553 of the SEPT9 protein (p.Ala553Ser). The frequency data for this variant in the population databases is considered unreliable, as metrics indicate poor data quality at this position in the gnomAD database. This variant has not been reported in the literature in individuals affected with SEPT9-related conditions. Invitae Evidence Modeling of protein sequence and biophysical properties (such as structural, functional, and spatial information, amino acid conservation, physicochemical variation, residue mobility, and thermodynamic stability) indicates that this missense variant is not expected to disrupt SEPT9 protein function with a negative predictive value of 80%. In summary, the available evidence is currently insufficient to determine the role of this variant in disease. Therefore, it has been classified as a Variant of Uncertain Significance.